The following is an entry in ClinVar:

NM_000264.5(PTCH1):c.1893C>T (p.Thr631=)

Genes: PTCH1 (patched 1; minus strand), LOC100507346 (uncharacterized LOC100507346; plus strand). Cytogenetic location: 9q22.32.
Variant type: single nucleotide variant.
Coding change: c.1893C>T on transcript NM_000264.5 (MANE Select); coding-DNA position 1893, C replaced by T.
Protein change: p.Thr631=; no amino-acid change (threonine 631 retained).
Molecular consequence: synonymous variant. On other transcripts: non-coding transcript variant (2).
Genome position (GRCh38, 1-based): chr9:95,469,108, G>A on the plus strand (C>T on the coding strand, the complement: PTCH1 is on the minus strand). VCF-style: chr9-95469108-G-A. GRCh37 (hg19) VCF-style: chr9-98231390-G-A.
Other names: c.1893C>T (NM_000264.3); c.1695C>T, p.Thr565= (NM_001083602.3); c.1890C>T, p.Thr630= (NM_001083603.3); c.1440C>T, p.Thr480= (NM_001083604.3, NM_001083605.3, NM_001083606.3 and 1 more transcripts); c.1737C>T, p.Thr579= (NM_001354918.2).
Identifiers: ClinVar variation 1150675 (VCV001150675.12), dbSNP rs757344587, ClinGen allele CA5138489.

ClinVar aggregate classification (germline): Likely benign. Review status: criteria provided, multiple submitters, no conflicts (2 of 4 stars). 3 submissions from 3 submitters: Likely benign (2). 1 of the submissions does not count toward it. Last evaluated 2025-05-30.

Conditions:
Gorlin syndrome. Also called: Nevoid Basal Cell Carcinoma Syndrome; Basal cell nevus syndrome. Identifiers: Orphanet 377, MedGen C0004779, MONDO:0007187.
Hereditary cancer-predisposing syndrome. Also called: Hereditary Cancer Syndrome; Hereditary neoplastic syndrome; Neoplastic Syndromes, Hereditary; Tumor predisposition. Identifiers: Orphanet 140162, MedGen C0027672, MeSH D009386, MONDO:0015356.
PTCH1-related disorder. Also called: PTCH1-related disorders; PTCH1-related condition.

Allele frequency attached by ClinVar (database versions not stated): gnomAD exomes below 0.00001; ExAC 0.00001; gnomAD 0.00001; TOPMed 0.00001.
gnomAD v4.1: 8 of 1,613,962 alleles (0.0005%); highest among the groups gnomAD compares: African/African-American, 0.0013%; no homozygotes.

Submissions (3):

Labcorp Genetics (formerly Invitae), Labcorp
Classification: Likely benign for Gorlin syndrome. Last evaluated: 2025-05-30. Review status: criteria provided, single submitter. Criteria: Invitae Variant Classification Sherloc (09022015). Collection method: clinical testing. Allele origin: germline.

Ambry Genetics
Classification: Likely benign for Hereditary cancer-predisposing syndrome. Last evaluated: 2022-12-17. Review status: criteria provided, single submitter. Criteria: Ambry Variant Classification Scheme 2023. Collection method: clinical testing. Allele origin: germline.

PreventionGenetics, part of Exact Sciences
Classification: Benign for PTCH1-related condition. Last evaluated: 2019-04-17. Review status: no assertion criteria provided. Collection method: clinical testing. Allele origin: germline. Not counted in ClinVar's aggregate classification.
Comment: This variant is classified as benign based on ACMG/AMP sequence variant interpretation guidelines (Richards et al. 2015 PMID: 25741868, with internal and published modifications).